The following is an entry in ClinVar:

NM_021076.4(NEFH):c.172G>A (p.Val58Met)

Gene: NEFH (neurofilament heavy chain; plus strand). Cytogenetic location: 22q12.2.
Variant type: single nucleotide variant.
Coding change: c.172G>A on transcript NM_021076.4 (MANE Select); coding-DNA position 172, G replaced by A.
Protein change: p.Val58Met; replaces valine 58 with methionine.
Molecular consequence: missense variant.
Genome position (GRCh38, 1-based): chr22:29,480,434, G>A. VCF-style: chr22-29480434-G-A. GRCh37 (hg19) VCF-style: chr22-29876423-G-A.
Other names: short protein forms V58M.
Identifiers: ClinVar variation 1060727 (VCV001060727.9), dbSNP rs567284754, ClinGen allele CA411121760.

ClinVar aggregate classification (germline): Uncertain significance (1 of 4 stars; one submission).

Submission:

Labcorp Genetics (formerly Invitae), Labcorp
Classification: Uncertain significance. Last evaluated: 2017-04-26. Review status: criteria provided, single submitter. Criteria: Invitae Variant Classification Sherloc (09022015). Collection method: clinical testing. Allele origin: germline.
Comment: This sequence change replaces valine with methionine at codon 58 of the NEFH protein (p.Val58Met). The valine residue is highly conserved and there is a small physicochemical difference between valine and methionine. While this variant is not present in population databases, the frequency information is unreliable, as metrics indicate poor data quality at this position in the ExAC database. This variant has not been reported in the literature in individuals with a NEFH-related disease. In summary, this variant has uncertain impact on NEFH function. The available evidence is currently insufficient to determine its role in disease. Therefore, it has been classified as a Variant of Uncertain Significance.